The following is an entry in ClinVar:

ClinVar aggregate classification (germline): Uncertain significance. Review status: criteria provided, multiple submitters, no conflicts (2 of 4 stars). 2 submissions from 2 submitters: Uncertain significance (2). Last evaluated 2025-12-08.

Conditions:
Inborn genetic diseases. Identifiers: MedGen C0950123, MeSH D030342.
Familial cold autoinflammatory syndrome 2 (FCAS2). Identifiers: Orphanet 247868, MedGen C2673198, MONDO:0012724, OMIM 611762.

Allele frequency attached by ClinVar (database versions not stated): ExAC 0.00001; gnomAD exomes 0.00001; gnomAD 0.00003; TOPMed 0.00003.
gnomAD v4.1: 18 of 1,614,004 alleles (0.0011%); highest among the groups gnomAD compares: African/African-American, 0.004%; no homozygotes.

Submissions (2):

Labcorp Genetics (formerly Invitae), Labcorp
Classification: Uncertain significance for Familial cold autoinflammatory syndrome 2. Last evaluated: 2025-12-08. Review status: criteria provided, single submitter. Criteria: Invitae Variant Classification Sherloc (09022015). Collection method: clinical testing. Allele origin: germline.
Comment: This sequence change replaces valine, which is neutral and non-polar, with isoleucine, which is neutral and non-polar, at codon 696 of the NLRP12 protein (p.Val696Ile). This variant is present in population databases (rs568227595, gnomAD 0.002%). This variant has not been reported in the literature in individuals affected with NLRP12-related conditions. ClinVar contains an entry for this variant (Variation ID: 2748858). An algorithm developed to predict the effect of missense changes on protein structure and function outputs the following: PolyPhen-2: "Benign". The isoleucine amino acid residue is found in multiple mammalian species, which suggests that this missense change does not adversely affect protein function. In summary, the available evidence is currently insufficient to determine the role of this variant in disease. Therefore, it has been classified as a Variant of Uncertain Significance.

Ambry Genetics
Classification: Uncertain significance for Inborn genetic diseases. Last evaluated: 2025-08-14. Review status: criteria provided, single submitter. Criteria: Ambry Variant Classification Scheme 2023. Collection method: clinical testing. Allele origin: germline.

NM_144687.4(NLRP12):c.2086G>A (p.Val696Ile)

Gene: NLRP12 (NLR family pyrin domain containing 12; minus strand). Cytogenetic location: 19q13.42.
Variant type: single nucleotide variant.
Coding change: c.2086G>A on transcript NM_144687.4 (MANE Select); coding-DNA position 2086, G replaced by A.
Protein change: p.Val696Ile; replaces valine 696 with isoleucine.
Molecular consequence: missense variant.
Genome position (GRCh38, 1-based): chr19:53,807,652, C>T on the plus strand (G>A on the coding strand, the complement: NLRP12 is on the minus strand). VCF-style: chr19-53807652-C-T. GRCh37 (hg19) VCF-style: chr19-54310906-C-T.
Other names: c.2089G>A, p.Val697Ile (NM_001277126.2); c.2086G>A, p.Val696Ile (NM_001277129.1); c.2086G>A (NM_144687.2); short protein forms V696I, V697I.
Identifiers: ClinVar variation 2748858 (VCV002748858.4), dbSNP rs568227595, ClinGen allele CA9639226.